The following is an entry in ClinVar:

NM_020937.4(FANCM):c.5159C>A (p.Ser1720Tyr)

Gene: FANCM (FA complementation group M; plus strand). Cytogenetic location: 14q21.2.
Variant type: single nucleotide variant.
Coding change: c.5159C>A on transcript NM_020937.4 (MANE Select); coding-DNA position 5159, C replaced by A.
Protein change: p.Ser1720Tyr; replaces serine 1720 with tyrosine.
Molecular consequence: missense variant.
Genome position (GRCh38, 1-based): chr14:45,189,181, C>A. VCF-style: chr14-45189181-C-A. GRCh37 (hg19) VCF-style: chr14-45658384-C-A.
Other names: c.5081C>A, p.Ser1694Tyr (NM_001308133.2); short protein forms S1694Y, S1720Y.
Identifiers: ClinVar variation 4871144 (VCV004871144.1).

ClinVar aggregate classification (germline): Uncertain significance (1 of 4 stars; one submission).

Conditions:
Inborn genetic diseases. Identifiers: MedGen C0950123, MeSH D030342.

Submission:

Ambry Genetics
Classification: Uncertain significance for Inborn genetic diseases. Last evaluated: 2026-05-15. Review status: criteria provided, single submitter. Criteria: Ambry Variant Classification Scheme 2023. Collection method: clinical testing. Allele origin: germline.
Comment: The p.S1720Y variant (also known as c.5159C>A), located in coding exon 20 of the FANCM gene, results from a C to A substitution at nucleotide position 5159. The serine at codon 1720 is replaced by tyrosine, an amino acid with dissimilar properties. This amino acid position is conserved. In addition, this alteration is predicted to be tolerated by in silico analysis. Based on the available evidence, the clinical significance of this variant remains unclear.